The following is an entry in ClinVar:

NM_000088.4(COL1A1):c.104-2A>G

Gene: COL1A1 (collagen type I alpha 1 chain; minus strand). Cytogenetic location: 17q21.33.
Variant type: single nucleotide variant.
Coding change: c.104-2A>G on transcript NM_000088.4 (MANE Select); the canonical splice acceptor site of the intron before coding-DNA position 104, A replaced by G.
Molecular consequence: splice acceptor variant.
Genome position (GRCh38, 1-based): chr17:50,199,949, T>C on the plus strand (A>G on the coding strand, the complement: COL1A1 is on the minus strand). VCF-style: chr17-50199949-T-C. GRCh37 (hg19) VCF-style: chr17-48277310-T-C.
Identifiers: ClinVar variation 1687168 (VCV001687168.4), dbSNP rs2144594870, ClinGen allele CA400228734.
Genomic context (GRCh38, chr17:50,199,949, plus strand): 5'-TTTCCACACGTCTCGGTCATGGTACCTGAGGCCGTTCTGTACGCAGGTGATTGGTGGGAC[T>C]GGGACAGGCGGAAGAGGGGCGTTGTCAGTAGTGACTGCAACCCCCAGCTTAACCACCTTT-3'

ClinVar aggregate classification (germline): Pathogenic/Likely pathogenic. Review status: criteria provided, multiple submitters, no conflicts (2 of 4 stars). 2 submissions from 2 submitters: Pathogenic (1); Likely pathogenic (1). Last evaluated 2023-09-27.

Conditions:
Osteogenesis imperfecta type I (OI1). Also called: Lobstein's Disease; Osteogenesis imperfecta type 1; Classic Non-deforming Osteogenesis Imperfecta with Blue Sclerae; OI, TYPE I; OSTEOGENESIS IMPERFECTA TARDA; OSTEOGENESIS IMPERFECTA WITH BLUE SCLERAE. Identifiers: Orphanet 216796, Orphanet 666, MedGen C0023931, MONDO:0008146, OMIM 166200. Disease mechanism: loss of function.
Osteogenesis imperfecta type III (OI3). Also called: Progressively Deforming Osteogenesis Imperfecta; Osteogenesis imperfecta type 3; OI type 3; Osteogenesis imperfecta, progressively deforming with normal sclerae; OI type III. Identifiers: Orphanet 216812, Orphanet 666, MedGen C0268362, MONDO:0009804, OMIM 259420.

Submissions (2):

Labcorp Genetics (formerly Invitae), Labcorp
Classification: Pathogenic for Osteogenesis imperfecta type I. Last evaluated: 2023-09-27. Review status: criteria provided, single submitter. Criteria: Invitae Variant Classification Sherloc (09022015). Collection method: clinical testing. Allele origin: germline.
Comment: This sequence change affects an acceptor splice site in intron 1 of the COL1A1 gene. It is expected to disrupt RNA splicing. Variants that disrupt the donor or acceptor splice site typically lead to a loss of protein function (PMID: 16199547), and loss-of-function variants in COL1A1 are known to be pathogenic (PMID: 7942841, 9295084, 9443882). This variant is not present in population databases (gnomAD no frequency). Disruption of this splice site has been observed in individuals with osteogenesis imperfecta (PMID: 30684648; Invitae). ClinVar contains an entry for this variant (Variation ID: 1687168). Algorithms developed to predict the effect of sequence changes on RNA splicing suggest that this variant may disrupt the consensus splice site. For these reasons, this variant has been classified as Pathogenic.

3billion
Classification: Likely pathogenic for Osteogenesis imperfecta type III. Last evaluated: 2022-05-22. Review status: criteria provided, single submitter. Criteria: ACMG Guidelines, 2015. Collection method: clinical testing. Allele origin: germline. Affected: yes. Observed: 1 heterozygote.
Comment: The variant is not observed in the gnomAD v2.1.1 dataset. Canonical splice site: predicted to alter splicing and result in a loss or disruption of normal protein function. Multiple pathogenic loss-of-function variants are reported downstream of the variant. Therefore, this variant is classified as likely pathogenic according to the recommendation of ACMG/AMP guideline.

Literature cited by the submitters: PubMed 16199547 (cited by Labcorp Genetics (formerly Invitae), Labcorp); PubMed 7942841 (cited by Labcorp Genetics (formerly Invitae), Labcorp); PubMed 9295084 (cited by Labcorp Genetics (formerly Invitae), Labcorp); PubMed 9443882 (cited by Labcorp Genetics (formerly Invitae), Labcorp); PubMed 30684648 (cited by Labcorp Genetics (formerly Invitae), Labcorp).